The following is an entry in ClinVar:

ClinVar aggregate classification (germline): Benign (1 of 4 stars; one submission).

Allele frequency attached by ClinVar (database versions not stated): TOPMed 0.00147; ESP Exome Variant Server 0.00154; gnomAD 0.00136; ExAC 0.00146.
gnomAD v4.1: 3,004 of 1,614,122 alleles (0.19%); highest among the groups gnomAD compares: Non-Finnish European, 0.16%; 27 homozygotes.

Submission:

CeGaT Center for Human Genetics Tuebingen
Classification: Benign. Last evaluated: 2025-06-01. Review status: criteria provided, single submitter. Criteria: CeGaT Center For Human Genetics Tuebingen Variant Classification Criteria Version 2. Collection method: clinical testing. Allele origin: germline. Affected: yes. Observed: 4 variant alleles.
Comment: AFG2B: BS1, BS2

NM_024063.3(AFG2B):c.1721C>T (p.Ser574Leu)

Gene: AFG2B (AAA ATPase AFG2B; plus strand). Cytogenetic location: 15q21.1.
Variant type: single nucleotide variant.
Coding change: c.1721C>T on transcript NM_024063.3 (MANE Select); coding-DNA position 1721, C replaced by T.
Protein change: p.Ser574Leu; replaces serine 574 with leucine.
Molecular consequence: missense variant. On other transcripts: non-coding transcript variant (5).
Genome position (GRCh38, 1-based): chr15:45,415,663, C>T. VCF-style: chr15-45415663-C-T. GRCh37 (hg19) VCF-style: chr15-45707861-C-T.
Other names: c.1721C>T, p.Ser574Leu (NM_001323640.2); short protein forms S574L.
Identifiers: ClinVar variation 3025482 (VCV003025482.22), dbSNP rs35750630, ClinGen allele CA7543498.
Genomic context (GRCh38, chr15:45,415,663, plus strand): 5'-GAGCAAGCACTCCAGCAATTTTGTTTTTGGATGAAATTGATTCAATCTTGGGAGCTCGCT[C>T]AGCCAGCAAGACAGGATGTGATGTTCAAGAACGAGTTCTTTCTGTTCTCCTGAATGAATT-3'
Protein context (NP_076968.2, residues 564-584): DEIDSILGAR[Ser574Leu]ASKTGCDVQE